The following is an entry in ClinVar:

ClinVar aggregate classification (germline): Likely pathogenic (1 of 4 stars; one submission).

Conditions:
Autosomal dominant Robinow syndrome 1. Also called: ACRAL DYSOSTOSIS WITH FACIAL AND GENITAL ABNORMALITIES; FETAL FACE SYNDROME; ROBINOW DWARFISM; Covesdem syndrome (formerly); Costovertebral segmentation defect with mesomelia (formerly); WNT5A-Related Robinow Syndrome, Autosomal Dominant. Identifiers: Orphanet 3107, Orphanet 97360, MedGen C4551475, MONDO:0024455, OMIM 180700.

gnomAD v4.1: 1 of 1,448,656 alleles (0.000069%); highest among the groups gnomAD compares: Non-Finnish European, 0.00009%; no homozygotes.

Submission:

Service of Pediatric Gastrohepatology and Metabolic Diseases, University of Medicine of Tirana
Classification: Likely pathogenic for Autosomal dominant Robinow syndrome 1. Last evaluated: 2026-04-29. Review status: criteria provided, single submitter. Criteria: ACMG Guidelines, 2015. Collection method: clinical testing. Allele origin: germline. Inheritance: Autosomal dominant inheritance. Affected: yes. Observed: 1 variant allele.
Comment: WNT5A c.422T>C was classified as Likely pathogenic using ACMG/AMP 2015 criteria (PMID:25741868). The interpretation considered PM2 for rarity/absence in population databases when reviewed, PP3 for predicted deleterious effect, and PP4 for concordance with the WNT5A-associated phenotype/condition (OMIM:180700).

NM_003392.7(WNT5A):c.422T>C (p.Val141Ala)

Gene: WNT5A (Wnt family member 5A; minus strand). Cytogenetic location: 3p14.3.
Variant type: single nucleotide variant.
Coding change: c.422T>C on transcript NM_003392.7 (MANE Select); coding-DNA position 422, T replaced by C.
Protein change: p.Val141Ala; replaces valine 141 with alanine.
Molecular consequence: missense variant.
Genome position (GRCh38, 1-based): chr3:55,474,599, A>G on the plus strand (T>C on the coding strand, the complement: WNT5A is on the minus strand). VCF-style: chr3-55474599-A-G. GRCh37 (hg19) VCF-style: chr3-55508627-A-G.
Other names: c.377T>C, p.Val126Ala (NM_001256105.1, NM_001377271.1, NM_001377272.1); short protein forms V126A, V141A.
Identifiers: ClinVar variation 4849589 (VCV004849589.1).